The following is an entry in ClinVar:

ClinVar aggregate classification (germline): Uncertain significance (1 of 4 stars; one submission).

Conditions:
Hereditary cancer-predisposing syndrome. Also called: Neoplastic Syndromes, Hereditary; Tumor predisposition; Hereditary neoplastic syndrome; Hereditary Cancer Syndrome. Identifiers: Orphanet 140162, MedGen C0027672, MeSH D009386, MONDO:0015356.

gnomAD v4.1: 1 of 1,612,282 alleles (0.000062%); highest among the groups gnomAD compares: Non-Finnish European, 0.000085%; no homozygotes.

Submission:

Ambry Genetics
Classification: Uncertain significance for Hereditary cancer-predisposing syndrome. Last evaluated: 2026-06-23. Review status: criteria provided, single submitter. Criteria: Ambry Variant Classification Scheme 2023. Collection method: clinical testing. Allele origin: germline.
Comment: The p.I805M variant (also known as c.2415C>G), located in coding exon 17 of the KIT gene, results from a C to G substitution at nucleotide position 2415. The isoleucine at codon 805 is replaced by methionine, an amino acid with highly similar properties. This amino acid position is not well conserved in available vertebrate species. In addition, the in silico prediction for this alteration is inconclusive. The evidence for this gene-disease relationship is limited; therefore, the clinical significance of this variant is unclear.

NM_000222.3(KIT):c.2415C>G (p.Ile805Met)

Gene: KIT (KIT proto-oncogene, receptor tyrosine kinase; plus strand). Cytogenetic location: 4q12.
Variant type: single nucleotide variant.
Coding change: c.2415C>G on transcript NM_000222.3 (MANE Select); coding-DNA position 2415, C replaced by G.
Protein change: p.Ile805Met; replaces isoleucine 805 with methionine.
Molecular consequence: missense variant.
Genome position (GRCh38, 1-based): chr4:54,733,123, C>G. VCF-style: chr4-54733123-C-G. GRCh37 (hg19) VCF-style: chr4-55599289-C-G.
Other names: c.2403C>G, p.Ile801Met (NM_001385292.1, NM_001093772.2); c.2418C>G, p.Ile806Met (NM_001385284.1); c.2412C>G, p.Ile804Met (NM_001385285.1); c.2400C>G, p.Ile800Met (NM_001385286.1); c.2406C>G, p.Ile802Met (NM_001385288.1); c.2415C>G, p.Ile805Met (NM_001385290.1); short protein forms I805M, I806M, I800M, I801M, I802M, I804M.
Identifiers: ClinVar variation 5023291 (VCV005023291.1).